The following is an entry in ClinVar:

ClinVar aggregate classification (germline): Likely pathogenic (1 of 4 stars; one submission).

Submission:

Mayo Clinic Laboratories, Mayo Clinic
Classification: Likely pathogenic. Last evaluated: 2019-10-04. Review status: criteria provided, single submitter. Criteria: ACMG Guidelines, 2015. Collection method: clinical testing. Allele origin: germline. Observed: 1 variant allele.
Comment: PVS1, PM2

NM_000037.4(ANK1):c.3188del (p.Phe1063fs)

Gene: ANK1 (ankyrin 1; minus strand). Cytogenetic location: 8p11.21.
Variant type: Deletion.
Coding change: c.3188del on transcript NM_000037.4 (MANE Select); coding-DNA position 3188, one base deleted (T; older notation c.3188delT).
Protein change: p.Phe1063fs; shifts the reading frame from phenylalanine 1063.
Molecular consequence: frameshift variant.
Genome position (GRCh38, 1-based): chr8:41,694,731, A deleted on the plus strand (T on the coding strand, the reverse complement: ANK1 is on the minus strand); the first of 2 consecutive A bases (chr8:41,694,731-41,694,732); deleting either gives the same sequence. VCF-style (leftmost placement, unchanged base first): chr8-41694730-GA-G. GRCh37 (hg19) VCF-style: chr8-41552248-GA-G.
Other names: c.3311del, p.Phe1104fs (NM_001142446.2); c.3188del, p.Phe1063fs (NM_020475.3, NM_020476.3, NM_020477.3); short protein forms F1063fs, F1104fs.
Identifiers: ClinVar variation 1163884 (VCV001163884.5), dbSNP rs2150593448, ClinGen allele CA2499219301.